The following is an entry in ClinVar:

ClinVar aggregate classification (germline): Uncertain significance. Review status: criteria provided, multiple submitters, no conflicts (2 of 4 stars). 3 submissions from 3 submitters: Uncertain significance (3). Last evaluated 2024-06-12.

Conditions:
Inborn genetic diseases. Identifiers: MedGen C0950123, MeSH D030342.
Combined oxidative phosphorylation defect type 11. Also called: Combined oxidative phosphorylation deficiency 11; ENCEPHALONEUROMYOPATHY, INFANTILE, DUE TO MITOCHONDRIAL TRANSLATION DEFECT. Identifiers: Orphanet 324535, MedGen C5190991, MONDO:0013969, OMIM 614922.

Allele frequency attached by ClinVar (database versions not stated): ExAC 0.00001; gnomAD 0.00001; gnomAD exomes 0.00002.
gnomAD v4.1: 28 of 1,610,210 alleles (0.0017%); highest among the groups gnomAD compares: Admixed American, 0.0034%; no homozygotes.

Submissions (3):

Fulgent Genetics
Classification: Uncertain significance for Combined oxidative phosphorylation defect type 11. Last evaluated: 2024-06-12. Review status: criteria provided, single submitter. Criteria: ACMG Guidelines, 2015. Collection method: clinical testing. Allele origin: germline.

Labcorp Genetics (formerly Invitae), Labcorp
Classification: Uncertain significance. Last evaluated: 2022-10-13. Review status: criteria provided, single submitter. Criteria: Invitae Variant Classification Sherloc (09022015). Collection method: clinical testing. Allele origin: germline.
Comment: The frequency data for this variant in the population databases is considered unreliable, as metrics indicate poor data quality at this position in the gnomAD database. This sequence change replaces arginine, which is basic and polar, with glutamine, which is neutral and polar, at codon 397 of the RMND1 protein (p.Arg397Gln). This variant has not been reported in the literature in individuals affected with RMND1-related conditions. Advanced modeling of protein sequence and biophysical properties (such as structural, functional, and spatial information, amino acid conservation, physicochemical variation, residue mobility, and thermodynamic stability) performed at Invitae indicates that this missense variant is expected to disrupt RMND1 protein function. In summary, the available evidence is currently insufficient to determine the role of this variant in disease. Therefore, it has been classified as a Variant of Uncertain Significance.

Ambry Genetics
Classification: Uncertain significance for Inborn genetic diseases. Last evaluated: 2021-07-06. Review status: criteria provided, single submitter. Criteria: Ambry Variant Classification Scheme 2023. Collection method: clinical testing. Allele origin: germline.

NM_017909.4(RMND1):c.1190G>A (p.Arg397Gln)

Gene: RMND1 (required for meiotic nuclear division 1 homolog; minus strand). Cytogenetic location: 6q25.1.
Variant type: single nucleotide variant.
Coding change: c.1190G>A on transcript NM_017909.4 (MANE Select); coding-DNA position 1190, G replaced by A.
Protein change: p.Arg397Gln; replaces arginine 397 with glutamine.
Molecular consequence: missense variant.
Genome position (GRCh38, 1-based): chr6:151,417,289, C>T on the plus strand (G>A on the coding strand, the complement: RMND1 is on the minus strand). VCF-style: chr6-151417289-C-T. GRCh37 (hg19) VCF-style: chr6-151738424-C-T.
Other names: c.680G>A, p.Arg227Gln (NM_001271937.2); short protein forms R227Q, R397Q.
Identifiers: ClinVar variation 1917478 (VCV001917478.7), dbSNP rs771810802, ClinGen allele CA4050787.